The following is an entry in ClinVar:

ClinVar aggregate classification (germline): Likely benign. Review status: criteria provided, multiple submitters, no conflicts (2 of 4 stars). 2 submissions from 2 submitters: Likely benign (2). Last evaluated 2025-10-02.

Allele frequency attached by ClinVar (database versions not stated): gnomAD exomes below 0.00001 and 0.00001; TOPMed below 0.00001; ExAC 0.00001.
gnomAD v4.1: 10 of 1,613,852 alleles (0.00062%); highest among the groups gnomAD compares: Non-Finnish European, 0.00085%; no homozygotes.

Submissions (2):

Labcorp Genetics (formerly Invitae), Labcorp
Classification: Likely benign. Last evaluated: 2025-10-02. Review status: criteria provided, single submitter. Criteria: Invitae Variant Classification Sherloc (09022015). Collection method: clinical testing. Allele origin: germline.

CeGaT Center for Human Genetics Tuebingen
Classification: Likely benign. Last evaluated: 2025-04-01. Review status: criteria provided, single submitter. Criteria: CeGaT Center For Human Genetics Tuebingen Variant Classification Criteria Version 2. Collection method: clinical testing. Allele origin: germline. Affected: yes. Observed: 1 variant allele.
Comment: CASQ1: BP4, BP7

NM_001231.5(CASQ1):c.723C>T (p.Thr241=)

Gene: CASQ1 (calsequestrin 1; plus strand). Cytogenetic location: 1q23.2.
Variant type: single nucleotide variant.
Coding change: c.723C>T on transcript NM_001231.5 (MANE Select); coding-DNA position 723, C replaced by T.
Protein change: p.Thr241=; no amino-acid change (threonine 241 retained).
Molecular consequence: synonymous variant.
Genome position (GRCh38, 1-based): chr1:160,195,968, C>T. VCF-style: chr1-160195968-C-T. GRCh37 (hg19) VCF-style: chr1-160165758-C-T.
Identifiers: ClinVar variation 1540579 (VCV001540579.15), dbSNP rs750596833, ClinGen allele CA1196305.